The following is an entry in ClinVar:

ClinVar aggregate classification (germline): Uncertain significance (1 of 4 stars; one submission).

Allele frequency attached by ClinVar (database versions not stated): TOPMed below 0.00001; gnomAD 0.00001; gnomAD exomes 0.00001; ExAC 0.00003.
gnomAD v4.1: 18 of 1,614,070 alleles (0.0011%); highest among the groups gnomAD compares: Admixed American, 0.0067%; no homozygotes.

Submission:

Labcorp Genetics (formerly Invitae), Labcorp
Classification: Uncertain significance. Last evaluated: 2024-01-08. Review status: criteria provided, single submitter. Criteria: Invitae Variant Classification Sherloc (09022015). Collection method: clinical testing. Allele origin: germline.
Comment: This sequence change replaces leucine, which is neutral and non-polar, with phenylalanine, which is neutral and non-polar, at codon 1105 of the DHX37 protein (p.Leu1105Phe). This variant is present in population databases (rs756021430, gnomAD 0.009%). This variant has not been reported in the literature in individuals affected with DHX37-related conditions. ClinVar contains an entry for this variant (Variation ID: 1978724). An algorithm developed to predict the effect of missense changes on protein structure and function (PolyPhen-2) suggests that this variant is likely to be tolerated. In summary, the available evidence is currently insufficient to determine the role of this variant in disease. Therefore, it has been classified as a Variant of Uncertain Significance.

NM_032656.4(DHX37):c.3313C>T (p.Leu1105Phe)

Gene: DHX37 (DEAH-box helicase 37; minus strand). Cytogenetic location: 12q24.31.
Variant type: single nucleotide variant.
Coding change: c.3313C>T on transcript NM_032656.4 (MANE Select); coding-DNA position 3313, C replaced by T.
Protein change: p.Leu1105Phe; replaces leucine 1105 with phenylalanine.
Molecular consequence: missense variant.
Genome position (GRCh38, 1-based): chr12:124,948,159, G>A on the plus strand (C>T on the coding strand, the complement: DHX37 is on the minus strand). VCF-style: chr12-124948159-G-A. GRCh37 (hg19) VCF-style: chr12-125432705-G-A.
Other names: short protein forms L1105F.
Identifiers: ClinVar variation 1978724 (VCV001978724.4), dbSNP rs756021430, ClinGen allele CA6871248.